The following is an entry in ClinVar:

NM_002519.3(NPAT):c.2602A>G (p.Ile868Val)

Gene: NPAT (nuclear protein, coactivator of histone transcription; minus strand). Cytogenetic location: 11q22.3.
Variant type: single nucleotide variant.
Coding change: c.2602A>G on transcript NM_002519.3 (MANE Select); coding-DNA position 2602, A replaced by G.
Protein change: p.Ile868Val; replaces isoleucine 868 with valine.
Molecular consequence: missense variant.
Genome position (GRCh38, 1-based): chr11:108,172,382, T>C on the plus strand (A>G on the coding strand, the complement: NPAT is on the minus strand). VCF-style: chr11-108172382-T-C. GRCh37 (hg19) VCF-style: chr11-108043109-T-C.
Other names: c.2602A>G, p.Ile868Val (NM_001321307.1); short protein forms I868V.
Identifiers: ClinVar variation 2453781 (VCV002453781.2), dbSNP rs2496716647, ClinGen allele CA382512624.
Genomic context (GRCh38, chr11:108,172,382, plus strand): 5'-CTACATTAGACTGACTTACAGATGTTCCTAACGCTGTTGGATCAGTCACACAGGTAGCTA[T>C]CAGAATGTTATTTGAATTGCCAAAAGCTGTGCTTGTGGCTGGCATCAACTGTATATATCC-3'
Protein context (NP_002510.2, residues 858-878): TAFGNSNNIL[Ile868Val]ATCVTDPTAL

ClinVar aggregate classification (germline): Uncertain significance (1 of 4 stars; one submission).

Submission:

Ambry Genetics
Classification: Uncertain significance. Last evaluated: 2023-01-22. Review status: criteria provided, single submitter. Criteria: Ambry Variant Classification Scheme 2023. Collection method: clinical testing. Allele origin: germline.
Comment: The p.I868V variant (also known as c.2602A>G), located in coding exon 13 of the NPAT gene, results from an A to G substitution at nucleotide position 2602. The isoleucine at codon 868 is replaced by valine, an amino acid with highly similar properties. This amino acid position is conserved. In addition, this alteration is predicted to be tolerated by in silico analysis. Since supporting evidence is limited at this time, the clinical significance of this alteration remains unclear.